The following is an entry in ClinVar:

NM_004614.5(TK2):c.426T>C (p.Ile142=)

Gene: TK2 (thymidine kinase 2; minus strand). Cytogenetic location: 16q21.
Variant type: single nucleotide variant.
Coding change: c.426T>C on transcript NM_004614.5 (MANE Select); coding-DNA position 426, T replaced by C.
Protein change: p.Ile142=; no amino-acid change (isoleucine 142 retained).
Molecular consequence: synonymous variant. On other transcripts: non-coding transcript variant (1).
Genome position (GRCh38, 1-based): chr16:66,529,017, A>G on the plus strand (T>C on the coding strand, the complement: TK2 is on the minus strand). VCF-style: chr16-66529017-A-G. GRCh37 (hg19) VCF-style: chr16-66562920-A-G.
Other names: c.426T>C (NM_004614.4); c.333T>C, p.Ile111= (NM_001172643.1, NM_001271935.1); c.351T>C, p.Ile117= (NM_001172644.2); c.372T>C, p.Ile124= (NM_001172645.2); c.279T>C, p.Ile93= (NM_001271934.2); c.135T>C, p.Ile45= (NM_001272050.2).
Identifiers: ClinVar variation 2991710 (VCV002991710.5), dbSNP rs1233310425, ClinGen allele CA495905369.

ClinVar aggregate classification (germline): Likely benign. Review status: criteria provided, single submitter (1 of 4 stars). 2 submissions from 2 submitters: Likely benign (1). 1 of the submissions does not count toward it. Last evaluated 2026-01-11.

Conditions:
TK2-related disorder. Also called: TK2-related condition.

Allele frequency attached by ClinVar (database versions not stated): TOPMed 0.00001.

Submissions (2):

Labcorp Genetics (formerly Invitae), Labcorp
Classification: Likely benign. Last evaluated: 2026-01-11. Review status: criteria provided, single submitter. Criteria: Invitae Variant Classification Sherloc (09022015). Collection method: clinical testing. Allele origin: germline.

PreventionGenetics, part of Exact Sciences
Classification: Likely benign for TK2-related condition. Last evaluated: 2021-02-03. Review status: no assertion criteria provided. Collection method: clinical testing. Allele origin: germline. Not counted in ClinVar's aggregate classification.
Comment: This variant is classified as likely benign based on ACMG/AMP sequence variant interpretation guidelines (Richards et al. 2015 PMID: 25741868, with internal and published modifications).